The following is an entry in ClinVar:

ClinVar aggregate classification (germline): Uncertain significance (1 of 4 stars; one submission).

Conditions:
Rhabdoid tumor predisposition syndrome 2 (RTPS2). Identifiers: Orphanet 231108, Orphanet 69077, MedGen C2750074, MONDO:0013224, OMIM 613325.

Allele frequency attached by ClinVar (database versions not stated): gnomAD exomes 0.00001.
gnomAD v4.1: 1 of 1,551,086 alleles (0.000064%); highest among the groups gnomAD compares: Middle Eastern, 0.017%; no homozygotes.

Submission:

Labcorp Genetics (formerly Invitae), Labcorp
Classification: Uncertain significance for Rhabdoid tumor predisposition syndrome 2. Last evaluated: 2024-04-08. Review status: criteria provided, single submitter. Criteria: Invitae Variant Classification Sherloc (09022015). Collection method: clinical testing. Allele origin: germline.
Comment: This sequence change replaces alanine, which is neutral and non-polar, with valine, which is neutral and non-polar, at codon 1654 of the SMARCA4 protein (p.Ala1654Val). The frequency data for this variant in the population databases is considered unreliable, as metrics indicate poor data quality at this position in the gnomAD database. This variant has not been reported in the literature in individuals affected with SMARCA4-related conditions. ClinVar contains an entry for this variant (Variation ID: 470427). Advanced modeling of protein sequence and biophysical properties (such as structural, functional, and spatial information, amino acid conservation, physicochemical variation, residue mobility, and thermodynamic stability) performed at Invitae indicates that this missense variant is expected to disrupt SMARCA4 protein function with a positive predictive value of 80%. In summary, the available evidence is currently insufficient to determine the role of this variant in disease. Therefore, it has been classified as a Variant of Uncertain Significance.

NM_003072.5(SMARCA4):c.4865C>T (p.Ala1622Val)

Gene: SMARCA4 (SWI/SNF related BAF chromatin remodeling complex subunit ATPase 4; plus strand). Cytogenetic location: 19p13.2.
Variant type: single nucleotide variant.
Coding change: c.4865C>T on transcript NM_003072.5 (MANE Select); coding-DNA position 4865, C replaced by T.
Protein change: p.Ala1622Val; replaces alanine 1622 with valine.
Molecular consequence: missense variant. On other transcripts: non-coding transcript variant (1).
Genome position (GRCh38, 1-based): chr19:11,060,141, C>T. VCF-style: chr19-11060141-C-T. GRCh37 (hg19) VCF-style: chr19-11170817-C-T.
Other names: c.4865C>T, p.Ala1622Val (NM_001128844.3); c.4775C>T, p.Ala1592Val (NM_001128845.2); c.4772C>T, p.Ala1591Val (NM_001128846.2); c.4766C>T, p.Ala1589Val (NM_001128847.4, NM_001374457.1); c.4763C>T, p.Ala1588Val (NM_001128848.2); c.4961C>T, p.Ala1654Val (NM_001128849.3, NM_001387283.1); short protein forms A1654V, A1588V, A1589V, A1622V, A1592V, A1591V.
Identifiers: ClinVar variation 470427 (VCV000470427.8), dbSNP rs1275554425, ClinGen allele CA404080790.
Genomic context (GRCh38, chr19:11,060,141, plus strand): 5'-AGGAGAAGGCACAGGACCGGCTGAAGGGCGGCCGGCGGCGGCCGAGCCGAGGGTCCCGAG[C>T]CAAGCCGGTCGTGAGTGACGATGACAGTGAGGAGGAACAAGAGGAGGTGAGGCCGGGCCC-3'
Protein context (NP_003063.2, residues 1612-1632): GRRRPSRGSR[Ala1622Val]KPVVSDDDSE